The following is an entry in ClinVar:

NM_000755.5(CRAT):c.332G>A (p.Arg111His)

Gene: CRAT (carnitine O-acetyltransferase; minus strand). Cytogenetic location: 9q34.11.
Variant type: single nucleotide variant.
Coding change: c.332G>A on transcript NM_000755.5 (MANE Select); coding-DNA position 332, G replaced by A.
Protein change: p.Arg111His; replaces arginine 111 with histidine.
Molecular consequence: missense variant.
Genome position (GRCh38, 1-based): chr9:129,104,266, C>T on the plus strand (G>A on the coding strand, the complement: CRAT is on the minus strand). VCF-style: chr9-129104266-C-T. GRCh37 (hg19) VCF-style: chr9-131866545-C-T.
Other names: c.269G>A, p.Arg90His (NM_001257363.3, NM_001346548.2, NM_004003.4); c.335G>A, p.Arg112His (NM_001346546.2); c.332G>A, p.Arg111His (NM_001346547.2); c.212G>A, p.Arg71His (NM_001346549.2); c.332G>A (NM_000755.3); short protein forms R111H, R112H, R71H, R90H.
Identifiers: ClinVar variation 1479259 (VCV001479259.7), dbSNP rs558760605, ClinGen allele CA5275794.

ClinVar aggregate classification (germline): Uncertain significance. Review status: criteria provided, multiple submitters, no conflicts (2 of 4 stars). 2 submissions from 2 submitters: Uncertain significance (2). Last evaluated 2025-12-16.

Allele frequency attached by ClinVar (database versions not stated): gnomAD exomes 0.00001 and 0.00004; ExAC 0.00004; gnomAD 0.00005 and 0.00006; TOPMed 0.00009; 1000 Genomes Project 0.00040; 1000 Genomes Project 30x 0.00047.
gnomAD v4.1: 24 of 1,613,340 alleles (0.0015%); highest among the groups gnomAD compares: African/African-American, 0.021%; no homozygotes.

Submissions (2):

Ambry Genetics
Classification: Uncertain significance. Last evaluated: 2025-12-16. Review status: criteria provided, single submitter. Criteria: Ambry Variant Classification Scheme 2023. Collection method: clinical testing. Allele origin: germline.

Labcorp Genetics (formerly Invitae), Labcorp
Classification: Uncertain significance. Last evaluated: 2025-08-19. Review status: criteria provided, single submitter. Criteria: Invitae Variant Classification Sherloc (09022015). Collection method: clinical testing. Allele origin: germline.
Comment: This sequence change replaces arginine, which is basic and polar, with histidine, which is basic and polar, at codon 111 of the CRAT protein (p.Arg111His). This variant is present in population databases (rs558760605, gnomAD 0.03%). This variant has not been reported in the literature in individuals affected with CRAT-related conditions. ClinVar contains an entry for this variant (Variation ID: 1479259). Invitae Evidence Modeling of protein sequence and biophysical properties (such as structural, functional, and spatial information, amino acid conservation, physicochemical variation, residue mobility, and thermodynamic stability) has been performed for this missense variant. However, the output from this modeling did not meet the statistical confidence thresholds required to predict the impact of this variant on CRAT protein function. In summary, the available evidence is currently insufficient to determine the role of this variant in disease. Therefore, it has been classified as a Variant of Uncertain Significance.